The following is an entry in ClinVar:

NM_003482.4(KMT2D):c.11975A>G (p.Gln3992Arg)

Gene: KMT2D (lysine methyltransferase 2D; minus strand). Cytogenetic location: 12q13.12.
Variant type: single nucleotide variant.
Coding change: c.11975A>G on transcript NM_003482.4 (MANE Select); coding-DNA position 11975, A replaced by G.
Protein change: p.Gln3992Arg; replaces glutamine 3992 with arginine.
Molecular consequence: missense variant.
Genome position (GRCh38, 1-based): chr12:49,032,730, T>C on the plus strand (A>G on the coding strand, the complement: KMT2D is on the minus strand). VCF-style: chr12-49032730-T-C. GRCh37 (hg19) VCF-style: chr12-49426513-T-C.
Other names: short protein forms Q3992R.
Identifiers: ClinVar variation 2428807 (VCV002428807.4), dbSNP rs2498359429, ClinGen allele CA384713649.
Genomic context (GRCh38, chr12:49,032,730, plus strand): 5'-GGGCTAGAAAAGTGTTGAAGAGGCTTTGCTGGCATGCCAGGGCCAAGTGCCACTTGCTGC[T>C]GCTGTTGTTGCTGAGGAGACAGTAAAGTTCGACTCTGGTTTAAAAGGCCCATCTGCTGCT-3'
Protein context (NP_003473.3, residues 3982-4002): RTLLSPQQQQ[Gln3992Arg]QQVALGPGMP

ClinVar aggregate classification (germline): Uncertain significance. Review status: criteria provided, multiple submitters, no conflicts (2 of 4 stars). 2 submissions from 2 submitters: Uncertain significance (2). Last evaluated 2026-04-22.

Conditions:
Inborn genetic diseases. Identifiers: MedGen C0950123, MeSH D030342.

Submissions (2):

Ambry Genetics
Classification: Uncertain significance for Inborn genetic diseases. Last evaluated: 2026-04-22. Review status: criteria provided, single submitter. Criteria: Ambry Variant Classification Scheme 2023. Collection method: clinical testing. Allele origin: germline.

GeneDx
Classification: Uncertain significance. Last evaluated: 2022-08-02. Review status: criteria provided, single submitter. Criteria: GeneDx Variant Classification Process June 2021. Collection method: clinical testing. Allele origin: germline. Affected: yes.
Comment: Not observed at significant frequency in large population cohorts (gnomAD); In silico analysis supports that this missense variant does not alter protein structure/function; Has not been previously published as pathogenic or benign to our knowledge